The following is an entry in ClinVar:

NM_004360.5(CDH1):c.965A>G (p.Asn322Ser)

Gene: CDH1 (cadherin 1; plus strand). Cytogenetic location: 16q22.1.
Variant type: single nucleotide variant.
Coding change: c.965A>G on transcript NM_004360.5 (MANE Select); coding-DNA position 965, A replaced by G.
Protein change: p.Asn322Ser; replaces asparagine 322 with serine.
Molecular consequence: missense variant. On other transcripts: 5 prime UTR variant (2).
Genome position (GRCh38, 1-based): chr16:68,811,816, A>G. VCF-style: chr16-68811816-A-G. GRCh37 (hg19) VCF-style: chr16-68845719-A-G.
Other names: c.965A>G (NM_004360.4, LRG_301t1); c.965A>G, p.Asn322Ser (NM_001317184.2); c.-651A>G (NM_001317185.2); c.-855A>G (NM_001317186.2); short protein forms N322S.
Identifiers: ClinVar variation 234880 (VCV000234880.20), dbSNP rs876661274, ClinGen allele CA10577541.

ClinVar aggregate classification (germline): Conflicting classifications of pathogenicity. Review status: criteria provided, conflicting classifications (1 of 4 stars). 6 submissions from 6 submitters: Uncertain significance (5); Likely benign (1). Last evaluated 2026-05-06.

Conditions:
CDH1-related disorder. Also called: CDH1-related condition.
Hereditary cancer-predisposing syndrome. Also called: Neoplastic Syndromes, Hereditary; Hereditary neoplastic syndrome; Hereditary Cancer Syndrome; Tumor predisposition. Identifiers: Orphanet 140162, MedGen C0027672, MeSH D009386, MONDO:0015356.
Hereditary diffuse gastric adenocarcinoma (HDGC). Also called: DIFFUSE GASTRIC AND LOBULAR BREAST CANCER SYNDROME. Identifiers: Orphanet 26106, MedGen C1708349, MONDO:0007648, OMIM 137215.

Allele frequency attached by ClinVar (database versions not stated): gnomAD exomes below 0.00001.
gnomAD v4.1: 4 of 1,614,184 alleles (0.00025%); highest among the groups gnomAD compares: African/African-American, 0.0027%; no homozygotes.

Submissions (6):

Ambry Genetics
Classification: Likely benign for Hereditary cancer-predisposing syndrome. Last evaluated: 2026-05-06. Review status: criteria provided, single submitter. Criteria: Ambry Variant Classification Scheme 2023. Collection method: clinical testing. Allele origin: germline.

PreventionGenetics, part of Exact Sciences
Classification: Uncertain significance for CDH1-related condition. Last evaluated: 2026-02-03. Review status: criteria provided, single submitter. Criteria: ACMG Guidelines, 2015. Collection method: clinical testing. Allele origin: germline.
Comment: The CDH1 c.965A>G variant is predicted to result in the amino acid substitution p.Asn322Ser. This variant has been reported in the literature in an individual with ichthyosis vulgaris or atopic dermatitis (Table E2, Taylan et al. 2015. PubMed ID: 25819062). This variant is absent in a large population database (gnomAD), indicating this variant is rare. This variant is interpreted as uncertain in ClinVar (Variation ID: 234880). At this time, the clinical significance of this variant is uncertain due to the absence of conclusive functional and genetic evidence.

Labcorp Genetics (formerly Invitae), Labcorp
Classification: Uncertain significance for Hereditary diffuse gastric adenocarcinoma. Last evaluated: 2025-08-24. Review status: criteria provided, single submitter. Criteria: Invitae Variant Classification Sherloc (09022015). Collection method: clinical testing. Allele origin: germline.
Comment: This sequence change replaces asparagine, which is neutral and polar, with serine, which is neutral and polar, at codon 322 of the CDH1 protein (p.Asn322Ser). This variant is not present in population databases (gnomAD no frequency). This missense change has been observed in individual(s) with itchthyosis vulgaris and atopic dermatitis (PMID: 25819062). ClinVar contains an entry for this variant (Variation ID: 234880). An algorithm developed to predict the effect of missense changes on protein structure and function (PolyPhen-2) suggests that this variant is likely to be tolerated. In summary, the available evidence is currently insufficient to determine the role of this variant in disease. Therefore, it has been classified as a Variant of Uncertain Significance.

Quest Diagnostics Nichols Institute San Juan Capistrano
Classification: Uncertain significance. Last evaluated: 2025-08-21. Review status: criteria provided, single submitter. Criteria: Quest Diagnostics criteria. Collection method: clinical testing. Allele origin: unknown.
Comment: The CDH1 c.965A>G (p.Asn322Ser) variant has been reported in the published literature in a patient with ichthyosis vulgaris or atopic dermatitis (PMID: 25819062 (2015)). This variant has not been reported in large, multi-ethnic general populations (Genome Aggregation Database). Analysis of this variant using bioinformatics tools for the prediction of the effect of amino acid changes on protein structure and function yielded predictions that this variant is benign. Based on the available information, we are unable to determine the clinical significance of this variant.

Blueprint Genetics
Classification: Uncertain significance. Last evaluated: 2023-10-27. Review status: criteria provided, single submitter. Criteria: ACMG Guidelines, 2015. Collection method: clinical testing. Allele origin: germline.

GeneDx
Classification: Uncertain significance. Last evaluated: 2022-02-23. Review status: criteria provided, single submitter. Criteria: GeneDx Variant Classification Process June 2021. Collection method: clinical testing. Allele origin: germline. Affected: yes.
Comment: Not observed at significant frequency in large population cohorts (gnomAD); In silico analysis supports that this missense variant does not alter protein structure/function; Identified by whole exome sequencing in patients with ichthyosis vulgaris or atopic dermatitis (Taylan 2015); This variant is associated with the following publications: (PMID: 15235021, 22850631, 25819062)

Literature cited by the submitters: PubMed 25819062 (cited by Labcorp Genetics (formerly Invitae), Labcorp and Quest Diagnostics Nichols Institute San Juan Capistrano).